The following is an entry in ClinVar:

NM_017636.4(TRPM4):c.2509G>A (p.Gly837Arg)

Gene: TRPM4 (transient receptor potential cation channel subfamily M member 4; plus strand). Cytogenetic location: 19q13.33.
Variant type: single nucleotide variant.
Coding change: c.2509G>A on transcript NM_017636.4 (MANE Select); coding-DNA position 2509, G replaced by A.
Protein change: p.Gly837Arg; replaces glycine 837 with arginine.
Molecular consequence: missense variant. On other transcripts: intron variant (1).
Genome position (GRCh38, 1-based): chr19:49,196,738, G>A. VCF-style: chr19-49196738-G-A. GRCh37 (hg19) VCF-style: chr19-49699995-G-A.
Other names: c.2164G>A, p.Gly722Arg (NM_001321281.2); c.901G>A, p.Gly301Arg (NM_001321282.2); c.1987G>A, p.Gly663Arg (NM_001321283.2); c.1447G>A, p.Gly483Arg (NM_001321285.2); c.2211-3562G>A (NM_001195227.2); short protein forms G483R, G722R, G837R, G301R, G663R.
Identifiers: ClinVar variation 3329259 (VCV003329259.1).

ClinVar aggregate classification (germline): Uncertain significance (1 of 4 stars; one submission).

Conditions:
Cardiovascular phenotype. Identifiers: MedGen CN230736.

gnomAD v4.1: 2 of 1,550,842 alleles (0.00013%); highest among the groups gnomAD compares: Non-Finnish European, 0.00017%; no homozygotes.

Submission:

Ambry Genetics
Classification: Uncertain significance for Cardiovascular phenotype. Last evaluated: 2024-06-17. Review status: criteria provided, single submitter. Criteria: Ambry Variant Classification Scheme 2023. Collection method: clinical testing. Allele origin: germline.
Comment: The p.G837R variant (also known as c.2509G>A), located in coding exon 17 of the TRPM4 gene, results from a G to A substitution at nucleotide position 2509. The glycine at codon 837 is replaced by arginine, an amino acid with dissimilar properties. This amino acid position is conserved. In addition, this alteration is predicted to be tolerated by in silico analysis. Based on the available evidence, the clinical significance of this variant remains unclear.